The following is an entry in ClinVar:

NM_000478.6(ALPL):c.1219AAG[1] (p.Lys408del)

Gene: ALPL (alkaline phosphatase, biomineralization associated; plus strand). Cytogenetic location: 1p36.12.
Variant type: Microsatellite.
Coding change: c.1219AAG[1] on transcript NM_000478.6 (MANE Select); one copy of the 3-base unit AAG starting at c.1219; the reference has two copies in a row; one copy, 3 bases deleted; also written c.1222_1224del.
Protein change: p.Lys408del; deletes lysine 408.
Genome position (GRCh38, 1-based): chr1:21,576,554-21,576,556, AAG deleted; deleting any 3 consecutive bases within chr1:21,576,551-21,576,556 gives the same sequence; the position shown is the placement nearest the transcript's 3' end. VCF-style (leftmost placement, unchanged base first): chr1-21576550-CAAG-C. GRCh37 (hg19) VCF-style: chr1-21903043-CAAG-C.
Other names: c.1054AAG[1], p.Lys353del (NM_001127501.4); c.988AAG[1], p.Lys331del (NM_001177520.3); c.1219AAG[1], p.Lys408del (NM_001369803.2, NM_001369804.2, NM_001369805.2); c.1222_1224del (NM_000478.6); short protein forms K353del, K408del, K331del.
Identifiers: ClinVar variation 4777968 (VCV004777968.2).

ClinVar aggregate classification (germline): Uncertain significance. Review status: criteria provided, multiple submitters, no conflicts (2 of 4 stars). 2 submissions from 2 submitters: Uncertain significance (2). Last evaluated 2026-09-01.

Conditions:
Hypophosphatasia. Also called: Phosphoethanol-aminuria. Identifiers: Orphanet 436, MedGen C0020630, MeSH D007014, MONDO:0018570.

Submissions (2):

Genomenon, Inc
Classification: Uncertain significance for Hypophosphatasia. Last evaluated: 2026-09-01. Review status: criteria provided, single submitter. Criteria: Genomenon Sequence Variant Interpretation Standards - Updated. Collection method: curation. Allele origin: germline. Affected: no.
Comment: ALPL p.Lys408del (c.1222_1224del) is an in-frame deletion that results in the loss of Lysine at codon 408. This variant has been reported in the published literature (PMID:39983296). It is absent or not present at a significant frequency in gnomAD. In conclusion, we classify ALPL p.Lys408del (c.1222_1224del) as a variant of uncertain significance.

Labcorp Genetics (formerly Invitae), Labcorp
Classification: Uncertain significance. Last evaluated: 2025-07-22. Review status: criteria provided, single submitter. Criteria: Invitae Variant Classification Sherloc (09022015). Collection method: clinical testing. Allele origin: germline.
Comment: This variant, c.1222_1224del, results in the deletion of 1 amino acid(s) of the ALPL protein (p.Lys408del), but otherwise preserves the integrity of the reading frame. This variant is not present in population databases (gnomAD no frequency). This variant has been observed in individual(s) with hypophosphatasia (internal data). Experimental studies and prediction algorithms are not available or were not evaluated, and the functional significance of this variant is currently unknown. This variant disrupts a region of the ALPL protein in which other variant(s) (p.Lys408Asn) have been observed in individuals with ALPL-related conditions (internal data). This suggests that this is a clinically significant region of the protein, and that variants that disrupt it are likely to be disease-causing. In summary, the available evidence is currently insufficient to determine the role of this variant in disease. Therefore, it has been classified as a Variant of Uncertain Significance.

Literature cited by the submitters: PubMed 39983296 (cited by Genomenon, Inc).